The following is an entry in ClinVar:

ClinVar aggregate classification (germline): Uncertain significance (1 of 4 stars; one submission).

Allele frequency attached by ClinVar (database versions not stated): ExAC 0.00001; TOPMed 0.00001.
gnomAD v4.1: 16 of 1,614,044 alleles (0.00099%); highest among the groups gnomAD compares: Non-Finnish European, 0.0013%; no homozygotes.

Submission:

Labcorp Genetics (formerly Invitae), Labcorp
Classification: Uncertain significance. Last evaluated: 2022-08-04. Review status: criteria provided, single submitter. Criteria: Invitae Variant Classification Sherloc (09022015). Collection method: clinical testing. Allele origin: germline.
Comment: In summary, the available evidence is currently insufficient to determine the role of this variant in disease. Therefore, it has been classified as a Variant of Uncertain Significance. Advanced modeling of protein sequence and biophysical properties (such as structural, functional, and spatial information, amino acid conservation, physicochemical variation, residue mobility, and thermodynamic stability) performed at Invitae indicates that this missense variant is not expected to disrupt FAT4 protein function. This variant has not been reported in the literature in individuals affected with FAT4-related conditions. This variant is present in population databases (rs751534442, gnomAD 0.0009%). This sequence change replaces isoleucine, which is neutral and non-polar, with valine, which is neutral and non-polar, at codon 4789 of the FAT4 protein (p.Ile4789Val).

NM_001291303.3(FAT4):c.14371A>G (p.Ile4791Val)

Gene: FAT4 (FAT atypical cadherin 4; plus strand). Cytogenetic location: 4q28.1.
Variant type: single nucleotide variant.
Coding change: c.14371A>G on transcript NM_001291303.3 (MANE Select); coding-DNA position 14371, A replaced by G.
Protein change: p.Ile4791Val; replaces isoleucine 4791 with valine.
Molecular consequence: missense variant.
Genome position (GRCh38, 1-based): chr4:125,491,187, A>G. VCF-style: chr4-125491187-A-G. GRCh37 (hg19) VCF-style: chr4-126412342-A-G.
Other names: c.14368A>G, p.Ile4790Val (NM_001291285.3); c.14365A>G, p.Ile4789Val (NM_024582.6); short protein forms I4789V, I4790V, I4791V.
Identifiers: ClinVar variation 1715007 (VCV001715007.4), dbSNP rs751534442, ClinGen allele CA3074547.